The following is an entry in ClinVar:

ClinVar aggregate classification (germline): Uncertain significance. Review status: criteria provided, multiple submitters, no conflicts (2 of 4 stars). 2 submissions from 2 submitters: Uncertain significance (2). Last evaluated 2025-02-25.

Allele frequency attached by ClinVar (database versions not stated): gnomAD 0.00006 and 0.00010; TOPMed 0.00008; ExAC 0.00019; gnomAD exomes 0.00021; 1000 Genomes Project 0.00100; 1000 Genomes Project 30x 0.00141.
gnomAD v4.1: 110 of 1,613,758 alleles (0.0068%); highest among the groups gnomAD compares: East Asian, 0.096%; no homozygotes.

Submissions (2):

Athena Diagnostics
Classification: Uncertain significance. Last evaluated: 2025-02-25. Review status: criteria provided, single submitter. Criteria: Athena Diagnostics Criteria. Collection method: clinical testing. Allele origin: unknown.
Comment: Available data are insufficient to determine the clinical significance of the variant at this time. The frequency of this variant in the general population is higher than would generally be expected for pathogenic variants in this gene. Polyphen and MutationTaster yielded discordant predictions regarding whether this amino acid change is damaging to the protein.

Labcorp Genetics (formerly Invitae), Labcorp
Classification: Uncertain significance. Last evaluated: 2024-01-13. Review status: criteria provided, single submitter. Criteria: Invitae Variant Classification Sherloc (09022015). Collection method: clinical testing. Allele origin: germline.
Comment: This sequence change replaces threonine, which is neutral and polar, with methionine, which is neutral and non-polar, at codon 46 of the COQ8A protein (p.Thr46Met). This variant is present in population databases (rs187123516, gnomAD 0.2%). This variant has not been reported in the literature in individuals affected with COQ8A-related conditions. ClinVar contains an entry for this variant (Variation ID: 1401003). Advanced modeling of protein sequence and biophysical properties (such as structural, functional, and spatial information, amino acid conservation, physicochemical variation, residue mobility, and thermodynamic stability) has been performed at Invitae for this missense variant, however the output from this modeling did not meet the statistical confidence thresholds required to predict the impact of this variant on COQ8A protein function. In summary, the available evidence is currently insufficient to determine the role of this variant in disease. Therefore, it has been classified as a Variant of Uncertain Significance.

NM_020247.5(COQ8A):c.137C>T (p.Thr46Met)

Gene: COQ8A (coenzyme Q8A; plus strand). Cytogenetic location: 1q42.13.
Variant type: single nucleotide variant.
Coding change: c.137C>T on transcript NM_020247.5 (MANE Select); coding-DNA position 137, C replaced by T.
Protein change: p.Thr46Met; replaces threonine 46 with methionine.
Molecular consequence: missense variant.
Genome position (GRCh38, 1-based): chr1:226,961,522, C>T. VCF-style: chr1-226961522-C-T. GRCh37 (hg19) VCF-style: chr1-227149223-C-T.
Other names: short protein forms T46M.
Identifiers: ClinVar variation 1401003 (VCV001401003.6), dbSNP rs187123516, ClinGen allele CA1424935.
Genomic context (GRCh38, chr1:226,961,522, plus strand): 5'-ACCTGCAGCACTTGGGCATCGGAGGGGAGCTGATCATGGCGGCCAGGGCCCTGCAGTCCA[C>T]GGCTGTGGAGCAGATTGGCATGTTCTTGGGGAAGGTGCAGGTAAGGGGGCCTGGCAGTGG-3'
Protein context (NP_064632.2, residues 36-56): LIMAARALQS[Thr46Met]AVEQIGMFLG